The following is an entry in ClinVar:

NM_025077.4(TOE1):c.897C>T (p.Ile299=)

Genes: MUTYH (mutY DNA glycosylase; minus strand), TOE1 (target of EGR1, exonuclease; plus strand). Cytogenetic location: 1p34.1.
Variant type: single nucleotide variant.
Coding change: c.897C>T on transcript NM_025077.4 (MANE Select); coding-DNA position 897, C replaced by T.
Protein change: p.Ile299=; no amino-acid change (isoleucine 299 retained).
Molecular consequence: synonymous variant.
Genome position (GRCh38, 1-based): chr1:45,342,987, C>T. VCF-style: chr1-45342987-C-T. GRCh37 (hg19) VCF-style: chr1-45808659-C-T.
Identifiers: ClinVar variation 777907 (VCV000777907.18), dbSNP rs150174457, ClinGen allele CA826706.

ClinVar aggregate classification (germline): Benign/Likely benign. Review status: criteria provided, multiple submitters, no conflicts (2 of 4 stars). 6 submissions from 6 submitters: Benign (1); Likely benign (4). 1 of the submissions does not count toward it. Last evaluated 2026-08-01.

Conditions:
TOE1-related disorder. Also called: TOE1-related condition.

Allele frequency attached by ClinVar (database versions not stated): gnomAD 0.00232 and 0.00217; 1000 Genomes Project 0.00319; ESP Exome Variant Server 0.00323; gnomAD exomes 0.00066 and 0.00028; ExAC 0.00082; TOPMed 0.00254; 1000 Genomes Project 30x 0.00344.

Submissions (6):

CeGaT Center for Human Genetics Tuebingen
Classification: Likely benign. Last evaluated: 2026-08-01. Review status: criteria provided, single submitter. Criteria: CeGaT Center For Human Genetics Tuebingen Variant Classification Criteria Version 2. Collection method: clinical testing. Allele origin: germline. Affected: yes. Observed: 1 variant allele.
Comment: TOE1: BP4, BP7

Labcorp Genetics (formerly Invitae), Labcorp
Classification: Benign. Last evaluated: 2025-10-25. Review status: criteria provided, single submitter. Criteria: Invitae Variant Classification Sherloc (09022015). Collection method: clinical testing. Allele origin: germline.

Blueprint Genetics
Classification: Likely benign. Last evaluated: 2024-11-26. Review status: criteria provided, single submitter. Criteria: ACMG Guidelines, 2015. Collection method: clinical testing. Allele origin: germline.

Genetic Services Laboratory, University of Chicago
Classification: Likely benign. Last evaluated: 2020-11-11. Review status: criteria provided, single submitter. Criteria: ACMG Guidelines, 2015. Collection method: clinical testing. Allele origin: germline. Affected: no.

Breakthrough Genomics
Classification: Likely benign. Review status: criteria provided, single submitter. Criteria: ACMG Guidelines, 2015. Collection method: not provided. Allele origin: germline. Inheritance: Autosomal recessive inheritance. Affected: yes.

PreventionGenetics, part of Exact Sciences
Classification: Benign for TOE1-related condition. Last evaluated: 2023-12-18. Review status: no assertion criteria provided. Collection method: clinical testing. Allele origin: germline. Not counted in ClinVar's aggregate classification.
Comment: This variant is classified as benign based on ACMG/AMP sequence variant interpretation guidelines (Richards et al. 2015 PMID: 25741868, with internal and published modifications).